The following is an entry in ClinVar:

NM_001367624.2(ZNF469):c.11463G>T (p.Gln3821His)

Gene: ZNF469 (zinc finger protein 469; plus strand). Cytogenetic location: 16q24.2.
Variant type: single nucleotide variant.
Coding change: c.11463G>T on transcript NM_001367624.2 (MANE Select); coding-DNA position 11463, G replaced by T.
Protein change: p.Gln3821His; replaces glutamine 3821 with histidine.
Molecular consequence: missense variant.
Genome position (GRCh38, 1-based): chr16:88,438,933, G>T. VCF-style: chr16-88438933-G-T. GRCh37 (hg19) VCF-style: chr16-88505341-G-T.
Other names: short protein forms Q3821H.
Identifiers: ClinVar variation 3902272 (VCV003902272.1).
Genomic context (GRCh38, chr16:88,438,933, plus strand): 5'-CCACGGGAGCCTAGGTCCCAAGGAGAAGGGAGAGAGCAGTACGAAGAGGAAAAAGGGCCA[G>T]GTCCCAGGGCCAGCCAGGAGTGAAAGTGTGGGGAGCTTCGGGAGAGCCCCCTCAGCCCCT-3'
Protein context (NP_001354553.1, residues 3811-3831): GESSTKRKKG[Gln3821His]VPGPARSESV

ClinVar aggregate classification (germline): Uncertain significance (1 of 4 stars; one submission).

gnomAD v4.1: 4 of 1,550,588 alleles (0.00026%); highest among the groups gnomAD compares: Non-Finnish European, 0.00035%; no homozygotes.

Submission:

Women's Health and Genetics/Laboratory Corporation of America, LabCorp
Classification: Uncertain significance. Last evaluated: 2025-05-13. Review status: criteria provided, single submitter. Criteria: LabCorp Variant Classification Summary - May 2015. Collection method: clinical testing. Allele origin: germline.
Comment: Variant summary: ZNF469 c.11463G>T (p.Gln3821His) results in a non-conservative amino acid change in the encoded protein sequence. Algorithms developed to predict the effect of missense changes on protein structure and function are either unavailable or do not agree on the potential impact of this missense change. The variant was absent in 153870 control chromosomes. The available data on variant occurrences in the general population are insufficient to allow any conclusion about variant significance. To our knowledge, no occurrence of c.11463G>T in individuals affected with Brittle cornea syndrome 1 and no experimental evidence demonstrating its impact on protein function have been reported. No submitters have cited clinical-significance assessments for this variant to ClinVar. Based on the evidence outlined above, the variant was classified as uncertain significance.